The following is an entry in ClinVar:

ClinVar aggregate classification (germline): Uncertain significance. Review status: criteria provided, multiple submitters, no conflicts (2 of 4 stars). 2 submissions from 2 submitters: Uncertain significance (2). Last evaluated 2025-03-26.

Allele frequency attached by ClinVar (database versions not stated): TOPMed 0.00002; gnomAD 0.00003; gnomAD exomes 0.00003; ExAC 0.00007.

Submissions (2):

Ambry Genetics
Classification: Uncertain significance. Last evaluated: 2025-03-26. Review status: criteria provided, single submitter. Criteria: Ambry Variant Classification Scheme 2023. Collection method: clinical testing. Allele origin: germline.

Labcorp Genetics (formerly Invitae), Labcorp
Classification: Uncertain significance. Last evaluated: 2024-06-21. Review status: criteria provided, single submitter. Criteria: Invitae Variant Classification Sherloc (09022015). Collection method: clinical testing. Allele origin: germline.
Comment: This sequence change replaces arginine, which is basic and polar, with cysteine, which is neutral and slightly polar, at codon 48 of the ELOVL1 protein (p.Arg48Cys). This variant is present in population databases (rs767218638, gnomAD 0.02%). This variant has not been reported in the literature in individuals affected with ELOVL1-related conditions. ClinVar contains an entry for this variant (Variation ID: 2428405). Advanced modeling of protein sequence and biophysical properties (such as structural, functional, and spatial information, amino acid conservation, physicochemical variation, residue mobility, and thermodynamic stability) performed at Invitae indicates that this missense variant is not expected to disrupt ELOVL1 protein function with a negative predictive value of 80%. In summary, the available evidence is currently insufficient to determine the role of this variant in disease. Therefore, it has been classified as a Variant of Uncertain Significance.

NM_022821.4(ELOVL1):c.142C>T (p.Arg48Cys)

Gene: ELOVL1 (ELOVL fatty acid elongase 1; minus strand). Cytogenetic location: 1p34.2.
Variant type: single nucleotide variant.
Coding change: c.142C>T on transcript NM_022821.4 (MANE Select); coding-DNA position 142, C replaced by T.
Protein change: p.Arg48Cys; replaces arginine 48 with cysteine.
Molecular consequence: missense variant. On other transcripts: non-coding transcript variant (1), intron variant (1).
Genome position (GRCh38, 1-based): chr1:43,365,281, G>A on the plus strand (C>T on the coding strand, the complement: ELOVL1 is on the minus strand). VCF-style: chr1-43365281-G-A. GRCh37 (hg19) VCF-style: chr1-43830952-G-A.
Other names: c.142C>T, p.Arg48Cys (NM_001256399.2, NM_001256401.2); c.-6-273C>T (NM_001256402.2); short protein forms R48C.
Identifiers: ClinVar variation 2428405 (VCV002428405.6), dbSNP rs767218638, ClinGen allele CA807690.